The following is an entry in ClinVar:

ClinVar aggregate classification (germline): Pathogenic (1 of 4 stars; one submission).

Conditions:
Maple syrup urine disease (MSUD). Identifiers: Orphanet 511, MedGen C0024776, MeSH D008375, MONDO:0009563. Disease mechanism: loss of function.

Submission:

Labcorp Genetics (formerly Invitae), Labcorp
Classification: Pathogenic for Maple syrup urine disease. Last evaluated: 2023-07-13. Review status: criteria provided, single submitter. Criteria: Invitae Variant Classification Sherloc (09022015). Collection method: clinical testing. Allele origin: germline.
Comment: This sequence change creates a premature translational stop signal (p.His282Serfs*19) in the BCKDHB gene. It is expected to result in an absent or disrupted protein product. Loss-of-function variants in BCKDHB are known to be pathogenic (PMID: 16786533, 22593002). This variant is present in population databases (no rsID available, gnomAD 0.007%). This variant has not been reported in the literature in individuals affected with BCKDHB-related conditions. For these reasons, this variant has been classified as Pathogenic.

Literature cited by the submitters: PubMed 16786533; PubMed 22593002.

NM_183050.4(BCKDHB):c.843dup (p.His282fs)

Gene: BCKDHB (branched chain keto acid dehydrogenase E1 subunit beta; plus strand). Cytogenetic location: 6q14.1.
Variant type: Duplication.
Coding change: c.843dup on transcript NM_183050.4 (MANE Select); coding-DNA position 843, one base duplicated (T; older notation c.843dupT).
Protein change: p.His282fs; shifts the reading frame from histidine 282.
Molecular consequence: frameshift variant. On other transcripts: non-coding transcript variant (6).
Genome position (GRCh38, 1-based): chr6:80,203,104, T duplicated; the last of 2 consecutive T bases (chr6:80,203,103-80,203,104); duplicating either gives the same sequence. VCF-style (leftmost placement, unchanged base first): chr6-80203102-G-GT. GRCh37 (hg19) VCF-style: chr6-80912819-G-GT.
Other names: c.843dup, p.His282fs (NM_000056.5, NM_001424035.1, NM_001424036.1 and 7 more transcripts); c.633dup, p.His212fs (NM_001318975.1, NM_001424043.1); short protein forms H212fs, H282fs.
Identifiers: ClinVar variation 2680136 (VCV002680136.6), dbSNP rs1431407722, ClinGen allele CA568402072.